The following is an entry in ClinVar:

ClinVar aggregate classification (germline): Uncertain significance (1 of 4 stars; one submission).

Allele frequency attached by ClinVar (database versions not stated): gnomAD exomes below 0.00001; TOPMed below 0.00001; gnomAD 0.00002 and 0.00003.
gnomAD v4.1: 10 of 1,614,016 alleles (0.00062%); highest among the groups gnomAD compares: Non-Finnish European, 0.00068%; no homozygotes.

Submission:

Labcorp Genetics (formerly Invitae), Labcorp
Classification: Uncertain significance. Last evaluated: 2022-02-23. Review status: criteria provided, single submitter. Criteria: Invitae Variant Classification Sherloc (09022015). Collection method: clinical testing. Allele origin: germline.
Comment: In summary, the available evidence is currently insufficient to determine the role of this variant in disease. Therefore, it has been classified as a Variant of Uncertain Significance. Algorithms developed to predict the effect of sequence changes on RNA splicing suggest that this variant may create or strengthen a splice site. Algorithms developed to predict the effect of missense changes on protein structure and function are either unavailable or do not agree on the potential impact of this missense change (SIFT: "Deleterious"; PolyPhen-2: "Benign"; Align-GVGD: "Class C0"). ClinVar contains an entry for this variant (Variation ID: 838423). This variant has not been reported in the literature in individuals affected with CEP19-related conditions. This variant is present in population databases (no rsID available, gnomAD 0.005%). This sequence change replaces lysine, which is basic and polar, with glutamic acid, which is acidic and polar, at codon 45 of the CEP19 protein (p.Lys45Glu).

NM_032898.5(CEP19):c.121A>G (p.Lys41Glu)

Gene: CEP19 (centrosomal protein 19; minus strand). Cytogenetic location: 3q29.
Variant type: single nucleotide variant.
Coding change: c.121A>G on transcript NM_032898.5 (MANE Select); coding-DNA position 121, A replaced by G.
Protein change: p.Lys41Glu; replaces lysine 41 with glutamic acid.
Molecular consequence: missense variant.
Genome position (GRCh38, 1-based): chr3:196,708,537, T>C on the plus strand (A>G on the coding strand, the complement: CEP19 is on the minus strand). VCF-style: chr3-196708537-T-C. GRCh37 (hg19) VCF-style: chr3-196435408-T-C.
Other names: short protein forms K41E.
Identifiers: ClinVar variation 838423 (VCV000838423.6), dbSNP rs1187092263, ClinGen allele CA355634722.